The following is an entry in ClinVar:

ClinVar aggregate classification (germline): Uncertain significance (1 of 4 stars; one submission).

Conditions:
Familial cold autoinflammatory syndrome 2 (FCAS2). Identifiers: Orphanet 247868, MedGen C2673198, MONDO:0012724, OMIM 611762.

Submission:

Labcorp Genetics (formerly Invitae), Labcorp
Classification: Uncertain significance for Familial cold autoinflammatory syndrome 2. Last evaluated: 2024-08-28. Review status: criteria provided, single submitter. Criteria: Invitae Variant Classification Sherloc (09022015). Collection method: clinical testing. Allele origin: germline.
Comment: This sequence change creates a premature translational stop signal (p.Gln539*) in the NLRP12 gene. It is expected to result in an absent or disrupted protein product. However, the current clinical and genetic evidence is not sufficient to establish whether loss-of-function variants in NLRP12 cause disease. This variant is not present in population databases (gnomAD no frequency). This variant has not been reported in the literature in individuals affected with NLRP12-related conditions. Algorithms developed to predict the effect of sequence changes on RNA splicing suggest that this variant may create or strengthen a splice site. In summary, the available evidence is currently insufficient to determine the role of this variant in disease. Therefore, it has been classified as a Variant of Uncertain Significance.

NM_144687.4(NLRP12):c.1615C>T (p.Gln539Ter)

Gene: NLRP12 (NLR family pyrin domain containing 12; minus strand). Cytogenetic location: 19q13.42.
Variant type: single nucleotide variant.
Coding change: c.1615C>T on transcript NM_144687.4 (MANE Select); coding-DNA position 1615, C replaced by T.
Protein change: p.Gln539Ter; replaces glutamine 539 with a stop codon.
Molecular consequence: nonsense.
Genome position (GRCh38, 1-based): chr19:53,810,044, G>A on the plus strand (C>T on the coding strand, the complement: NLRP12 is on the minus strand). VCF-style: chr19-53810044-G-A. GRCh37 (hg19) VCF-style: chr19-54313298-G-A.
Other names: c.1615C>T, p.Gln539Ter (NM_001277126.2, NM_001277129.1); short protein forms Q539*.
Identifiers: ClinVar variation 3663654 (VCV003663654.2).